The following is an entry in ClinVar:

NM_002397.5(MEF2C):c.258+4A>G

Gene: MEF2C (myocyte enhancer factor 2C; minus strand). Cytogenetic location: 5q14.3.
Variant type: single nucleotide variant.
Coding change: c.258+4A>G on transcript NM_002397.5 (MANE Select); 4 bases into the intron after coding-DNA position 258, A replaced by G.
Molecular consequence: intron variant.
Genome position (GRCh38, 1-based): chr5:88,804,594, T>C on the plus strand (A>G on the coding strand, the complement: MEF2C is on the minus strand). VCF-style: chr5-88804594-T-C. GRCh37 (hg19) VCF-style: chr5-88100411-T-C.
Other names: c.258+4A>G (NM_001364340.2, NM_001364346.2, NM_001364336.2 and 29 more transcripts).
Identifiers: ClinVar variation 3640470 (VCV003640470.2).

ClinVar aggregate classification (germline): Uncertain significance (1 of 4 stars; one submission).

Conditions:
Neurodevelopmental disorder with hypotonia, stereotypic hand movements, and impaired language. Also called: Intellectual disability, autosomal dominant 20. Identifiers: Orphanet 228384, Orphanet 664410, MedGen C3150700, MONDO:0013266, OMIM 613443.

Submission:

Labcorp Genetics (formerly Invitae), Labcorp
Classification: Uncertain significance for Neurodevelopmental disorder with hypotonia, stereotypic hand movements, and impaired language. Last evaluated: 2024-02-13. Review status: criteria provided, single submitter. Criteria: Invitae Variant Classification Sherloc (09022015). Collection method: clinical testing. Allele origin: germline.
Comment: This sequence change falls in intron 3 of the MEF2C gene. It does not directly change the encoded amino acid sequence of the MEF2C protein. It affects a nucleotide within the consensus splice site. This variant is not present in population databases (gnomAD no frequency). This variant has not been reported in the literature in individuals affected with MEF2C-related conditions. Variants that disrupt the consensus splice site are a relatively common cause of aberrant splicing (PMID: 17576681, 9536098). Algorithms developed to predict the effect of sequence changes on RNA splicing suggest that this variant may disrupt the consensus splice site. In summary, the available evidence is currently insufficient to determine the role of this variant in disease. Therefore, it has been classified as a Variant of Uncertain Significance.

Literature cited by the submitters: PubMed 17576681; PubMed 9536098.